The following is an entry in ClinVar:

NM_000041.4(APOE):c.639G>T (p.Val213=)

Gene: APOE (apolipoprotein E; plus strand). Cytogenetic location: 19q13.32.
Variant type: single nucleotide variant.
Coding change: c.639G>T on transcript NM_000041.4 (MANE Select); coding-DNA position 639, G replaced by T.
Protein change: p.Val213=; no amino-acid change (valine 213 retained).
Molecular consequence: synonymous variant.
Genome position (GRCh38, 1-based): chr19:44,908,935, G>T. VCF-style: chr19-44908935-G-T. GRCh37 (hg19) VCF-style: chr19-45412192-G-T.
Other names: c.717G>T, p.Val239= (NM_001302688.2); c.639G>T, p.Val213= (NM_001302689.2, NM_001302690.2, NM_001302691.2).
Identifiers: ClinVar variation 718465 (VCV000718465.6), dbSNP rs1313313298, ClinGen allele CA507947491.

ClinVar aggregate classification (germline): Likely benign. Review status: criteria provided, multiple submitters, no conflicts (2 of 4 stars). 3 submissions from 3 submitters: Likely benign (2). 1 of the submissions does not count toward it. Last evaluated 2022-09-05.

Conditions:
Cardiovascular phenotype. Identifiers: MedGen CN230736.
APOE-related disorder. Also called: APOE-related condition.

Allele frequency attached by ClinVar (database versions not stated): gnomAD exomes 0.00002 and 0.00008; TOPMed 0.00004; gnomAD 0.00005; 1000 Genomes Project 30x 0.00031.

Submissions (3):

Ambry Genetics
Classification: Likely benign for Cardiovascular phenotype. Last evaluated: 2022-09-05. Review status: criteria provided, single submitter. Criteria: Ambry Variant Classification Scheme 2023. Collection method: clinical testing. Allele origin: germline.

Labcorp Genetics (formerly Invitae), Labcorp
Classification: Likely benign. Last evaluated: 2018-11-30. Review status: criteria provided, single submitter. Criteria: Invitae Variant Classification Sherloc (09022015). Collection method: clinical testing. Allele origin: germline.

PreventionGenetics, part of Exact Sciences
Classification: Likely benign for APOE-related condition. Last evaluated: 2024-08-26. Review status: no assertion criteria provided. Collection method: clinical testing. Allele origin: germline. Not counted in ClinVar's aggregate classification.
Comment: This variant is classified as likely benign based on ACMG/AMP sequence variant interpretation guidelines (Richards et al. 2015 PMID: 25741868, with internal and published modifications).